The following is an entry in ClinVar:

NM_003126.4(SPTA1):c.6844C>A (p.His2282Asn)

Gene: SPTA1 (spectrin alpha, erythrocytic 1; minus strand). Cytogenetic location: 1q23.1.
Variant type: single nucleotide variant.
Coding change: c.6844C>A on transcript NM_003126.4 (MANE Select); coding-DNA position 6844, C replaced by A.
Protein change: p.His2282Asn; replaces histidine 2282 with asparagine.
Molecular consequence: missense variant.
Genome position (GRCh38, 1-based): chr1:158,613,866, G>T on the plus strand (C>A on the coding strand, the complement: SPTA1 is on the minus strand). VCF-style: chr1-158613866-G-T. GRCh37 (hg19) VCF-style: chr1-158583656-G-T.
Other names: short protein forms H2282N.
Identifiers: ClinVar variation 4693367 (VCV004693367.1).
Genomic context (GRCh38, chr1:158,613,866, plus strand): 5'-CTCTCAGGCAGGACCGGAACTCTTTGTGAGTCAGGCGCCCTGTCAAATTCTCATCAAAGT[G>T]TCTAAAGGATAAAAAAAGAAAAAAAAATTTATCAAGCTCAATAGAAAAACCAAGTGAGAA-3'
Protein context (NP_003117.2, residues 2272-2292): TLKEFSTIYK[His2282Asn]FDENLTGRLT

ClinVar aggregate classification (germline): Uncertain significance (1 of 4 stars; one submission).

gnomAD v4.1: 11 of 1,613,486 alleles (0.00068%); highest among the groups gnomAD compares: African/African-American, 0.015%; no homozygotes.

Submission:

Labcorp Genetics (formerly Invitae), Labcorp
Classification: Uncertain significance. Last evaluated: 2025-12-10. Review status: criteria provided, single submitter. Criteria: Invitae Variant Classification Sherloc (09022015). Collection method: clinical testing. Allele origin: germline.
Comment: This sequence change replaces histidine, which is basic and polar, with asparagine, which is neutral and polar, at codon 2282 of the SPTA1 protein (p.His2282Asn). The frequency data for this variant in the population databases is considered unreliable, as metrics indicate poor data quality at this position in the gnomAD database. This variant has not been reported in the literature in individuals affected with SPTA1-related conditions. An algorithm developed to predict the effect of missense changes on protein structure and function (PolyPhen-2) suggests that this variant is likely to be disruptive. In summary, the available evidence is currently insufficient to determine the role of this variant in disease. Therefore, it has been classified as a Variant of Uncertain Significance.